The following is an entry in ClinVar:

NM_017763.6(RNF43):c.1695T>C (p.His565=)

Gene: RNF43 (ring finger protein 43; minus strand). Cytogenetic location: 17q22.
Variant type: single nucleotide variant.
Coding change: c.1695T>C on transcript NM_017763.6 (MANE Select); coding-DNA position 1695, T replaced by C.
Protein change: p.His565=; no amino-acid change (histidine 565 retained).
Molecular consequence: synonymous variant.
Genome position (GRCh38, 1-based): chr17:58,358,081, A>G on the plus strand (T>C on the coding strand, the complement: RNF43 is on the minus strand). VCF-style: chr17-58358081-A-G. GRCh37 (hg19) VCF-style: chr17-56435442-A-G.
Other names: c.1695T>C, p.His565= (NM_001305544.3, NM_001438820.1, NM_001438821.1 and 1 more transcripts); c.1314T>C, p.His438= (NM_001305545.2, NM_001437987.1).
Identifiers: ClinVar variation 5042445 (VCV005042445.1).
Genomic context (GRCh38, chr17:58,358,081, plus strand): 5'-TGTCCGAGGAATAGGAGGCCTGGACTGGGGGACTCCGGTTTCTGGGCCAGGCTTCCTGCC[A>G]TGCCACTGGAACCGCTTTTTGTAGTGGTGGTGCCGGTGGCGGTGGTAGTGGACATGGCTG-3'
Protein context (NP_060233.3, residues 555-575): HHHYKKRFQW[His565=]GRKPGPETGV

ClinVar aggregate classification (germline): Benign (1 of 4 stars; one submission).

Conditions:
Sessile serrated polyposis cancer syndrome (SSPCS). Identifiers: Orphanet 157798, MedGen C4310714, MONDO:0014919, OMIM 617108.

Submission:

Myriad Genetics, Inc.
Classification: Benign for Sessile serrated polyposis cancer syndrome. Last evaluated: 2026-07-02. Review status: criteria provided, single submitter. Criteria: Myriad Autosomal Dominant, Autosomal Recessive and X-Linked Classification Criteria (2023). Collection method: clinical testing. Allele origin: unknown.
Comment: This variant is considered benign. This variant is a silent/synonymous amino acid change and it is not expected to impact splicing.